The following is an entry in ClinVar:

NM_018368.4(LMBRD1):c.1321C>T (p.Gln441Ter)

Gene: LMBRD1 (LMBR1 domain containing 1; minus strand). Cytogenetic location: 6q13.
Variant type: single nucleotide variant.
Coding change: c.1321C>T on transcript NM_018368.4 (MANE Select); coding-DNA position 1321, C replaced by T.
Protein change: p.Gln441Ter; replaces glutamine 441 with a stop codon.
Molecular consequence: nonsense.
Genome position (GRCh38, 1-based): chr6:69,699,060, G>A on the plus strand (C>T on the coding strand, the complement: LMBRD1 is on the minus strand). VCF-style: chr6-69699060-G-A. GRCh37 (hg19) VCF-style: chr6-70408952-G-A.
Other names: c.1102C>T, p.Gln368Ter (NM_001363722.2, NM_001367271.1, NM_001367272.1); short protein forms Q441*, Q368*.
Identifiers: ClinVar variation 2800010 (VCV002800010.3), dbSNP rs773154173, ClinGen allele CA3879617.
Genomic context (GRCh38, chr6:69,699,060, plus strand): 5'-CTTTAAAATATCAAAATAATCAAGTTTCAAATATTTCACTTACCTCTATTAAGTAATTTT[G>A]GCTTCCATACATAACATATTGGGGAGCAAGACTATAAATCATGTAGCTAGTGTGAAGGAC-3'

ClinVar aggregate classification (germline): Pathogenic (1 of 4 stars; one submission).

Conditions:
Methylmalonic aciduria and homocystinuria type cblF. Also called: COBALAMIN F DISEASE; COBALAMIN, DEFECT IN LYSOSOMAL RELEASE OF; METHYLMALONIC ACIDEMIA AND HOMOCYSTINURIA, cblF TYPE; METHYLMALONIC ACIDURIA DUE TO VITAMIN B12-RELEASE DEFECT; VITAMIN B12 LYSOSOMAL RELEASE DEFECT; VITAMIN B12 STORAGE DISEASE. Identifiers: Orphanet 79284, MedGen C1848578, MONDO:0010183, OMIM 277380.

Allele frequency attached by ClinVar (database versions not stated): gnomAD exomes below 0.00001; ExAC 0.00001.
gnomAD v4.1: 1 of 1,595,042 alleles (0.000063%); highest among the groups gnomAD compares: Non-Finnish European, 0.000086%; no homozygotes.

Submission:

Labcorp Genetics (formerly Invitae), Labcorp
Classification: Pathogenic for Methylmalonic aciduria and homocystinuria type cblF. Last evaluated: 2023-06-06. Review status: criteria provided, single submitter. Criteria: Invitae Variant Classification Sherloc (09022015). Collection method: clinical testing. Allele origin: germline.
Comment: For these reasons, this variant has been classified as Pathogenic. This variant has not been reported in the literature in individuals affected with LMBRD1-related conditions. This variant is present in population databases (rs773154173, gnomAD 0.0009%). This sequence change creates a premature translational stop signal (p.Gln441*) in the LMBRD1 gene. It is expected to result in an absent or disrupted protein product. Loss-of-function variants in LMBRD1 are known to be pathogenic (PMID: 19136951, 21303734).

Literature cited by the submitters: PubMed 19136951; PubMed 21303734.